The following is an entry in ClinVar:

ClinVar aggregate classification (germline): Pathogenic (1 of 4 stars; one submission).

Conditions:
Brachyolmia-amelogenesis imperfecta syndrome. Also called: PLATYSPONDYLY WITH AMELOGENESIS IMPERFECTA; Tooth agenesis, selective, 6; Dental anomalies and short stature. Identifiers: Orphanet 2899, MedGen C1832594, MONDO:0011018, OMIM 601216. Disease mechanism: loss of function.

gnomAD v4.1: 2 of 1,544,712 alleles (0.00013%); highest among the groups gnomAD compares: Non-Finnish European, 0.000087%; no homozygotes.

Submission:

Labcorp Genetics (formerly Invitae), Labcorp
Classification: Pathogenic for Brachyolmia-amelogenesis imperfecta syndrome. Last evaluated: 2024-10-17. Review status: criteria provided, single submitter. Criteria: Invitae Variant Classification Sherloc (09022015). Collection method: clinical testing. Allele origin: germline.
Comment: This sequence change creates a premature translational stop signal (p.Trp1170*) in the LTBP3 gene. It is expected to result in an absent or disrupted protein product. Loss-of-function variants in LTBP3 are known to be pathogenic (PMID: 11790802, 19344874, 25669657). This variant is not present in population databases (gnomAD no frequency). This variant has not been reported in the literature in individuals affected with LTBP3-related conditions. For these reasons, this variant has been classified as Pathogenic.

Literature cited by the submitters: PubMed 11790802; PubMed 19344874; PubMed 25669657.

NM_001130144.3(LTBP3):c.3510G>A (p.Trp1170Ter)

Gene: LTBP3 (latent transforming growth factor beta binding protein 3; minus strand). Cytogenetic location: 11q13.1.
Variant type: single nucleotide variant.
Coding change: c.3510G>A on transcript NM_001130144.3 (MANE Select); coding-DNA position 3510, G replaced by A.
Protein change: p.Trp1170Ter; replaces tryptophan 1170 with a stop codon.
Molecular consequence: nonsense.
Genome position (GRCh38, 1-based): chr11:65,539,757, C>T on the plus strand (G>A on the coding strand, the complement: LTBP3 is on the minus strand). VCF-style: chr11-65539757-C-T. GRCh37 (hg19) VCF-style: chr11-65307228-C-T.
Other names: c.3018G>A, p.Trp1006Ter (NM_001164266.1); c.3369G>A, p.Trp1123Ter (NM_021070.4); short protein forms W1123*, W1170*, W1006*.
Identifiers: ClinVar variation 3723107 (VCV003723107.2).